The following is an entry in ClinVar:

ClinVar aggregate classification (germline): Uncertain significance (1 of 4 stars; one submission).

gnomAD v4.1: 3 of 1,614,220 alleles (0.00019%); highest among the groups gnomAD compares: Admixed American, 0.005%; no homozygotes.

Submission:

Labcorp Genetics (formerly Invitae), Labcorp
Classification: Uncertain significance. Last evaluated: 2025-12-03. Review status: criteria provided, single submitter. Criteria: Invitae Variant Classification Sherloc (09022015). Collection method: clinical testing. Allele origin: germline.
Comment: This sequence change replaces valine, which is neutral and non-polar, with methionine, which is neutral and non-polar, at codon 1701 of the POLR1A protein (p.Val1701Met). This variant is present in population databases (no rsID available, gnomAD 0.003%). This variant has not been reported in the literature in individuals affected with POLR1A-related conditions. ClinVar contains an entry for this variant (Variation ID: 3664913). Invitae Evidence Modeling of protein sequence and biophysical properties (such as structural, functional, and spatial information, amino acid conservation, physicochemical variation, residue mobility, and thermodynamic stability) indicates that this missense variant is not expected to disrupt POLR1A protein function with a negative predictive value of 80%. In summary, the available evidence is currently insufficient to determine the role of this variant in disease. Therefore, it has been classified as a Variant of Uncertain Significance.

NM_015425.6(POLR1A):c.5101G>A (p.Val1701Met)

Gene: POLR1A (RNA polymerase I subunit A; minus strand). Cytogenetic location: 2p11.2.
Variant type: single nucleotide variant.
Coding change: c.5101G>A on transcript NM_015425.6 (MANE Select); coding-DNA position 5101, G replaced by A.
Protein change: p.Val1701Met; replaces valine 1701 with methionine.
Molecular consequence: missense variant.
Genome position (GRCh38, 1-based): chr2:86,027,485, C>T on the plus strand (G>A on the coding strand, the complement: POLR1A is on the minus strand). VCF-style: chr2-86027485-C-T. GRCh37 (hg19) VCF-style: chr2-86254608-C-T.
Other names: short protein forms V1701M.
Identifiers: ClinVar variation 3664913 (VCV003664913.2).